The following is an entry in ClinVar:

NC_000016.9:g.(?_56921827)_(56921953_?)del

Gene: SLC12A3 (solute carrier family 12 member 3; plus strand). Cytogenetic location: 16q13.
Variant type: Deletion.
Identifiers: ClinVar variation 1069000 (VCV001069000.7).

ClinVar aggregate classification (germline): Pathogenic (1 of 4 stars; one submission).

Submission:

Labcorp Genetics (formerly Invitae), Labcorp
Classification: Pathogenic. Last evaluated: 2020-08-22. Review status: criteria provided, single submitter. Criteria: Invitae Variant Classification Sherloc (09022015). Collection method: clinical testing. Allele origin: germline.
Comment: For these reasons, this variant has been classified as Pathogenic. Loss-of-function variants in SLC12A3 are known to be pathogenic (PMID: 20848653, 22009145, 25841442). This variant has been observed in individual(s) with clinical features of Gitelman syndrome (PMID: 21415153, 22009145). This variant is an out-of-frame deletion of the genomic region encompassing exon(s) 18 of the SLC12A3 gene. This is expected to create a premature translational stop signal and result in an absent or disrupted protein product.

Literature cited by the submitters: PubMed 20848653; PubMed 22009145; PubMed 25841442; PubMed 21415153.